The following is an entry in ClinVar:

ClinVar aggregate classification (germline): Uncertain significance (1 of 4 stars; one submission).

Conditions:
Familial intrahepatic cholestasis. Identifiers: Orphanet 284385, MedGen CN296401, MONDO:0017290.

Submission:

Genomenon, Inc
Classification: Uncertain significance for Familial intrahepatic cholestasis. Last evaluated: 2026-04-14. Review status: criteria provided, single submitter. Criteria: Genomenon Sequence Variant Interpretation Standards - Updated. Collection method: curation. Allele origin: germline. Affected: yes.
Comment: ABCB11 p.Asp590Glu (c.1770C>A) is a missense variant that changes the amino acid at residue 590 from Aspartic acid to Glutamic acid. This variant has been observed in at least one proband with an ABCB11-related disorder (PMID:36995996). It is absent or not present at a significant frequency in gnomAD. In silico models predict that this variant is possibly or probably damaging. In conclusion, we classify ABCB11 p.Asp590Glu (c.1770C>A) as a variant of uncertain significance.

Literature cited by the submitters: PubMed 36995996.

NM_003742.4(ABCB11):c.1770C>A (p.Asp590Glu)

Gene: ABCB11 (ATP binding cassette subfamily B member 11; minus strand). Cytogenetic location: 2q31.1.
Variant type: single nucleotide variant.
Coding change: c.1770C>A on transcript NM_003742.4 (MANE Select); coding-DNA position 1770, C replaced by A.
Protein change: p.Asp590Glu; replaces aspartic acid 590 with glutamic acid.
Molecular consequence: missense variant.
Genome position (GRCh38, 1-based): chr2:168,970,084, G>T on the plus strand (C>A on the coding strand, the complement: ABCB11 is on the minus strand). VCF-style: chr2-168970084-G-T. GRCh37 (hg19) VCF-style: chr2-169826594-G-T.
Other names: short protein forms D590E.
Identifiers: ClinVar variation 4845974 (VCV004845974.1).